The following is an entry in ClinVar:

ClinVar aggregate classification (germline): Uncertain significance (1 of 4 stars; one submission).

Submission:

Ambry Genetics
Classification: Uncertain significance. Last evaluated: 2025-12-10. Review status: criteria provided, single submitter. Criteria: Ambry Variant Classification Scheme 2023. Collection method: clinical testing. Allele origin: germline.
Comment: The p.T1413S variant (also known as c.4238C>G), located in coding exon 19 of the WNK2 gene, results from a C to G substitution at nucleotide position 4238. The threonine at codon 1413 is replaced by serine, an amino acid with similar properties. This amino acid position is conserved. In addition, this alteration is predicted to be tolerated by in silico analysis. Based on the available evidence, the clinical significance of this variant remains unclear.

NM_006648.4(WNK2):c.4238C>G (p.Thr1413Ser)

Gene: WNK2 (WNK lysine deficient protein kinase 2; plus strand). Cytogenetic location: 9q22.31.
Variant type: single nucleotide variant.
Coding change: c.4238C>G on transcript NM_006648.4 (MANE Select); coding-DNA position 4238, C replaced by G.
Protein change: p.Thr1413Ser; replaces threonine 1413 with serine.
Molecular consequence: missense variant.
Genome position (GRCh38, 1-based): chr9:93,288,992, C>G. VCF-style: chr9-93288992-C-G. GRCh37 (hg19) VCF-style: chr9-96051274-C-G.
Other names: c.4349C>G, p.Thr1450Ser (NM_001282394.3); short protein forms T1450S, T1413S.
Identifiers: ClinVar variation 4605427 (VCV004605427.1).